The following is an entry in ClinVar:

ClinVar aggregate classification (germline): Uncertain significance (1 of 4 stars; one submission).

Allele frequency attached by ClinVar (database versions not stated): TOPMed below 0.00001.
gnomAD v4.1: 9 of 1,331,398 alleles (0.00068%); highest among the groups gnomAD compares: Non-Finnish European, 0.00087%; no homozygotes.

Submission:

Labcorp Genetics (formerly Invitae), Labcorp
Classification: Uncertain significance. Last evaluated: 2022-09-07. Review status: criteria provided, single submitter. Criteria: Invitae Variant Classification Sherloc (09022015). Collection method: clinical testing. Allele origin: germline.
Comment: This sequence change replaces proline, which is neutral and non-polar, with leucine, which is neutral and non-polar, at codon 3 of the GSN protein (p.Pro3Leu). This variant is not present in population databases (gnomAD no frequency). In summary, the available evidence is currently insufficient to determine the role of this variant in disease. Therefore, it has been classified as a Variant of Uncertain Significance. Algorithms developed to predict the effect of missense changes on protein structure and function output the following: SIFT: "Tolerated"; PolyPhen-2: "Probably Damaging"; Align-GVGD: "Class C0". The leucine amino acid residue is found in multiple mammalian species, which suggests that this missense change does not adversely affect protein function. This variant has not been reported in the literature in individuals affected with GSN-related conditions.

NM_198252.3(GSN):c.-9-2094C>T

Gene: GSN (gelsolin; plus strand). Cytogenetic location: 9q33.2.
Variant type: single nucleotide variant.
Coding change: c.-9-2094C>T on transcript NM_198252.3 (MANE Select); 2094 bases into the intron before 9 bases upstream of the start codon, C replaced by T.
Molecular consequence: intron variant. On other transcripts: missense variant (1).
Genome position (GRCh38, 1-based): chr9:121,299,869, C>T. VCF-style: chr9-121299869-C-T. GRCh37 (hg19) VCF-style: chr9-124062147-C-T.
Other names: c.8C>T, p.Pro3Leu (NM_000177.5); c.-9-2094C>T (NM_001353054.1, NM_001353053.1, NM_001353060.2 and 5 more transcripts); c.-47-187C>T (NM_001353064.2, NM_001353066.2, NM_001353072.2 and 7 more transcripts); c.-1-2102C>T (NM_001353058.2, NM_001353059.2, NM_001353056.2 and 1 more transcripts); c.-38-196C>T (NM_001353073.2, NM_001353065.2, NM_001353068.2 and 2 more transcripts); c.100-2094C>T (NM_001127663.2); c.-32-202C>T (NM_001353070.2); c.-48-2055C>T (NM_001353055.2); and 4 more; short protein forms P3L.
Identifiers: ClinVar variation 1903266 (VCV001903266.5), dbSNP rs1184835172, ClinGen allele CA374751299.